The following is an entry in ClinVar:

NM_006019.4(TCIRG1):c.1887+146G>A

Gene: TCIRG1 (T cell immune regulator 1, ATPase H+ transporting V0 subunit a3; plus strand). Cytogenetic location: 11q13.2.
Variant type: single nucleotide variant.
Coding change: c.1887+146G>A on transcript NM_006019.4 (MANE Select); 146 bases into the intron after coding-DNA position 1887, G replaced by A.
Molecular consequence: intron variant.
Genome position (GRCh38, 1-based): chr11:68,049,440, G>A. VCF-style: chr11-68049440-G-A. GRCh37 (hg19) VCF-style: chr11-67816907-G-A.
Other names: c.993+146G>A (NM_001351059.2); c.1239+146G>A (NM_006053.4).
Identifiers: ClinVar variation 2735683 (VCV002735683.3), dbSNP rs941433066, ClinGen allele CA224210017.

ClinVar aggregate classification (germline): Likely pathogenic (1 of 4 stars; one submission).

Allele frequency attached by ClinVar (database versions not stated): gnomAD exomes below 0.00001.

Submission:

Labcorp Genetics (formerly Invitae), Labcorp
Classification: Likely pathogenic. Last evaluated: 2023-02-15. Review status: criteria provided, single submitter. Criteria: Invitae Variant Classification Sherloc (09022015). Collection method: clinical testing. Allele origin: germline.
Comment: Studies have shown that this variant results in activation of a cryptic splice site and introduces a premature termination codon (PMID: 25829125). The resulting mRNA is expected to undergo nonsense-mediated decay. This sequence change falls in intron 15 of the TCIRG1 gene. It does not directly change the encoded amino acid sequence of the TCIRG1 protein. RNA analysis indicates that this variant induces altered splicing and may result in an absent or disrupted protein product. This variant is not present in population databases (gnomAD no frequency). This variant has been observed in individual(s) with osteopetrosis (PMID: 25829125). It has also been observed to segregate with disease in related individuals. In summary, the currently available evidence indicates that the variant is pathogenic, but additional data are needed to prove that conclusively. Therefore, this variant has been classified as Likely Pathogenic.

Literature cited by the submitters: PubMed 25829125.